The following is an entry in ClinVar:

NM_002907.4(RECQL):c.1061C>T (p.Thr354Ile)

Gene: RECQL (RecQ like helicase; minus strand). Cytogenetic location: 12p12.1.
Variant type: single nucleotide variant.
Coding change: c.1061C>T on transcript NM_002907.4 (MANE Select); coding-DNA position 1061, C replaced by T.
Protein change: p.Thr354Ile; replaces threonine 354 with isoleucine.
Molecular consequence: missense variant.
Genome position (GRCh38, 1-based): chr12:21,475,713, G>A on the plus strand (C>T on the coding strand, the complement: RECQL is on the minus strand). VCF-style: chr12-21475713-G-A. GRCh37 (hg19) VCF-style: chr12-21628647-G-A.
Other names: c.1061C>T, p.Thr354Ile (NM_032941.3); short protein forms T354I.
Identifiers: ClinVar variation 1780392 (VCV001780392.3), dbSNP rs754921985, ClinGen allele CA384121272.
Genomic context (GRCh38, chr12:21,475,713, plus strand): 5'-TCTATGGAAGATATAGACCTAACCTGAATTTCATTGGCTGACCATTTTCTATGAACTGTG[G>A]TCTTATCTTCTGGCTCCAAATTGGCATGGTAAGCACCTGCATGAATTCCCAGATTCTGCA-3'
Protein context (NP_002898.2, residues 344-364): YHANLEPEDK[Thr354Ile]TVHRKWSANE

ClinVar aggregate classification (germline): Uncertain significance (1 of 4 stars; one submission).

gnomAD v4.1: 3 of 1,613,406 alleles (0.00019%); highest among the groups gnomAD compares: Non-Finnish European, 0.00025%; no homozygotes.

Submission:

Ambry Genetics
Classification: Uncertain significance. Last evaluated: 2025-04-12. Review status: criteria provided, single submitter. Criteria: Ambry Variant Classification Scheme 2023. Collection method: clinical testing. Allele origin: germline.
Comment: The p.T354I variant (also known as c.1061C>T), located in coding exon 8 of the RECQL gene, results from a C to T substitution at nucleotide position 1061. The threonine at codon 354 is replaced by isoleucine, an amino acid with similar properties. This amino acid position is conserved. In addition, this alteration is predicted to be tolerated by in silico analysis. Since supporting evidence is limited at this time, the clinical significance of this alteration remains unclear.